The following is an entry in ClinVar:

NM_001378418.1(TCF20):c.3701G>T (p.Ser1234Ile)

Gene: TCF20 (transcription factor 20; minus strand). Cytogenetic location: 22q13.2.
Variant type: single nucleotide variant.
Coding change: c.3701G>T on transcript NM_001378418.1 (MANE Select); coding-DNA position 3701, G replaced by T.
Protein change: p.Ser1234Ile; replaces serine 1234 with isoleucine.
Molecular consequence: missense variant.
Genome position (GRCh38, 1-based): chr22:42,211,605, C>A on the plus strand (G>T on the coding strand, the complement: TCF20 is on the minus strand). VCF-style: chr22-42211605-C-A. GRCh37 (hg19) VCF-style: chr22-42607611-C-A.
Other names: c.3701G>T, p.Ser1234Ile (NM_005650.4, NM_181492.3); short protein forms S1234I.
Identifiers: ClinVar variation 4823008 (VCV004823008.4).

ClinVar aggregate classification (germline): Uncertain significance (1 of 4 stars; one submission).

Submission:

CeGaT Center for Human Genetics Tuebingen
Classification: Uncertain significance. Last evaluated: 2026-01-01. Review status: criteria provided, single submitter. Criteria: CeGaT Center For Human Genetics Tuebingen Variant Classification Criteria Version 2. Collection method: clinical testing. Allele origin: germline. Affected: yes. Observed: 1 variant allele.
Comment: TCF20: PM2